The following is an entry in ClinVar:

NM_017547.4(FOXRED1):c.632-1G>A

Gene: FOXRED1 (FAD dependent oxidoreductase domain containing 1; plus strand). Cytogenetic location: 11q24.2.
Variant type: single nucleotide variant.
Coding change: c.632-1G>A on transcript NM_017547.4 (MANE Select); the canonical splice acceptor site of the intron before coding-DNA position 632, G replaced by A.
Molecular consequence: splice acceptor variant.
Genome position (GRCh38, 1-based): chr11:126,275,326, G>A. VCF-style: chr11-126275326-G-A. GRCh37 (hg19) VCF-style: chr11-126145221-G-A.
Identifiers: ClinVar variation 2998452 (VCV002998452.3), dbSNP rs2497187405, ClinGen allele CA383230066.

ClinVar aggregate classification (germline): Likely pathogenic (1 of 4 stars; one submission).

Allele frequency attached by ClinVar (database versions not stated): gnomAD exomes below 0.00001.
gnomAD v4.1: 1 of 1,606,828 alleles (0.000062%); highest among the groups gnomAD compares: Non-Finnish European, 0.000085%; no homozygotes.

Submission:

Labcorp Genetics (formerly Invitae), Labcorp
Classification: Likely pathogenic. Last evaluated: 2023-11-17. Review status: criteria provided, single submitter. Criteria: Invitae Variant Classification Sherloc (09022015). Collection method: clinical testing. Allele origin: germline.
Comment: This sequence change affects an acceptor splice site in intron 5 of the FOXRED1 gene. It is expected to disrupt RNA splicing. Variants that disrupt the donor or acceptor splice site typically lead to a loss of protein function (PMID: 16199547), and loss-of-function variants in FOXRED1 are known to be pathogenic (PMID: 20818383, 20858599). This variant is not present in population databases (gnomAD no frequency). This variant has not been reported in the literature in individuals affected with FOXRED1-related conditions. Algorithms developed to predict the effect of sequence changes on RNA splicing suggest that this variant may disrupt the consensus splice site. In summary, the currently available evidence indicates that the variant is pathogenic, but additional data are needed to prove that conclusively. Therefore, this variant has been classified as Likely Pathogenic.

Literature cited by the submitters: PubMed 16199547; PubMed 20818383; PubMed 20858599.